The following is an entry in ClinVar:

ClinVar aggregate classification (germline): Uncertain significance. Review status: criteria provided, multiple submitters, no conflicts (2 of 4 stars). 5 submissions from 5 submitters: Uncertain significance (4). 1 of the submissions does not count toward it. Last evaluated 2025-07-05.

Conditions:
Aplastic anemia. Identifiers: Orphanet 182040, Orphanet 88, MedGen C0002874, MONDO:0015909, OMIM 609135, HP:0001915.
Hereditary cancer-predisposing syndrome. Also called: Tumor predisposition; Hereditary Cancer Syndrome; Neoplastic Syndromes, Hereditary; Hereditary neoplastic syndrome. Identifiers: Orphanet 140162, MedGen C0027672, MeSH D009386, MONDO:0015356.
Microcephaly, normal intelligence and immunodeficiency (NBS). Also called: IMMUNODEFICIENCY, MICROCEPHALY, AND CHROMOSOMAL INSTABILITY; Microcephaly with normal intelligence immunodeficiency and lymphoreticular malignancies; Nonsyndromal microcephaly autosomal recessive with normal intelligence; Seemanova syndrome 2; Nijmegen breakage syndrome; BERLIN BREAKAGE SYNDROME. Identifiers: Orphanet 647, MedGen C0398791, MONDO:0009623, OMIM 251260.

Allele frequency attached by ClinVar (database versions not stated): gnomAD exomes below 0.00001; ExAC 0.00001; TOPMed 0.00001.
gnomAD v4.1: 1 of 1,612,740 alleles (0.000062%); highest among the groups gnomAD compares: Admixed American, 0.0017%; no homozygotes.

Submissions (5):

Ambry Genetics
Classification: Uncertain significance for Hereditary cancer-predisposing syndrome. Last evaluated: 2025-07-05. Review status: criteria provided, single submitter. Criteria: Ambry Variant Classification Scheme 2023. Collection method: clinical testing. Allele origin: germline.
Comment: The p.P64S variant (also known as c.190C>T), located in coding exon 3 of the NBN gene, results from a C to T substitution at nucleotide position 190. The proline at codon 64 is replaced by serine, an amino acid with similar properties. This amino acid position is highly conserved in available vertebrate species. In addition, this alteration is predicted to be tolerated by in silico analysis. Since supporting evidence is limited at this time, the clinical significance of this alteration remains unclear.

Labcorp Genetics (formerly Invitae), Labcorp
Classification: Uncertain significance for Microcephaly, normal intelligence and immunodeficiency. Last evaluated: 2025-05-05. Review status: criteria provided, single submitter. Criteria: Invitae Variant Classification Sherloc (09022015). Collection method: clinical testing. Allele origin: germline.
Comment: This sequence change replaces proline, which is neutral and non-polar, with serine, which is neutral and polar, at codon 64 of the NBN protein (p.Pro64Ser). This variant is present in population databases (rs267602038, gnomAD 0.003%). This variant has not been reported in the literature in individuals affected with NBN-related conditions. ClinVar contains an entry for this variant (Variation ID: 77458). An algorithm developed to predict the effect of missense changes on protein structure and function outputs the following: PolyPhen-2: "Benign". The serine amino acid residue is found in multiple mammalian species, which suggests that this missense change does not adversely affect protein function. In summary, the available evidence is currently insufficient to determine the role of this variant in disease. Therefore, it has been classified as a Variant of Uncertain Significance.

Baylor Genetics
Classification: Uncertain significance for Aplastic anemia. Last evaluated: 2024-02-09. Review status: criteria provided, single submitter. Criteria: ACMG Guidelines, 2015. Collection method: clinical testing. Allele origin: unknown.

Genome-Nilou Lab
Classification: Uncertain significance for Microcephaly, normal intelligence and immunodeficiency. Last evaluated: 2021-11-07. Review status: criteria provided, single submitter. Criteria: ACMG Guidelines, 2015. Collection method: clinical testing. Allele origin: germline. Affected: no.

Counsyl
Classification: Uncertain significance for Microcephaly, normal intelligence and immunodeficiency. Last evaluated: 2017-11-09. Review status: no assertion criteria provided. Collection method: clinical testing. Allele origin: unknown. Not counted in ClinVar's aggregate classification.

NM_002485.5(NBN):c.190C>T (p.Pro64Ser)

Gene: NBN (nibrin; minus strand). Cytogenetic location: 8q21.3.
Variant type: single nucleotide variant.
Coding change: c.190C>T on transcript NM_002485.5 (MANE Select); coding-DNA position 190, C replaced by T.
Protein change: p.Pro64Ser; replaces proline 64 with serine.
Molecular consequence: missense variant. On other transcripts: 5 prime UTR variant (1).
Genome position (GRCh38, 1-based): chr8:89,981,505, G>A on the plus strand (C>T on the coding strand, the complement: NBN is on the minus strand). VCF-style: chr8-89981505-G-A. GRCh37 (hg19) VCF-style: chr8-90993733-G-A.
Other names: c.-57C>T (NM_001024688.3); short protein forms P64S.
Identifiers: ClinVar variation 77458 (VCV000077458.20), dbSNP rs267602038, ClinGen allele CA4803023.